The following is an entry in ClinVar:

NM_001171.6(ABCC6):c.1334G>A (p.Trp445Ter)

Gene: ABCC6 (ATP binding cassette subfamily C member 6; minus strand). Cytogenetic location: 16p13.11.
Variant type: single nucleotide variant.
Coding change: c.1334G>A on transcript NM_001171.6 (MANE Select); coding-DNA position 1334, G replaced by A.
Protein change: p.Trp445Ter; replaces tryptophan 445 with a stop codon.
Molecular consequence: nonsense. On other transcripts: non-coding transcript variant (1).
Genome position (GRCh38, 1-based): chr16:16,198,025, C>T on the plus strand (G>A on the coding strand, the complement: ABCC6 is on the minus strand). VCF-style: chr16-16198025-C-T. GRCh37 (hg19) VCF-style: chr16-16291882-C-T.
Other names: c.992G>A, p.Trp331Ter (NM_001351800.1); short protein forms W331*, W445*.
Identifiers: ClinVar variation 2809784 (VCV002809784.4), dbSNP rs1294485971, ClinGen allele CA394890159.

ClinVar aggregate classification (germline): Pathogenic/Likely pathogenic. Review status: criteria provided, multiple submitters, no conflicts (2 of 4 stars). 2 submissions from 2 submitters: Pathogenic (1); Likely pathogenic (1). Last evaluated 2023-12-19.

Conditions:
ABCC6-related disorder. Also called: ABCC6-related condition.

Allele frequency attached by ClinVar (database versions not stated): gnomAD exomes below 0.00001.

Submissions (2):

Blueprint Genetics
Classification: Likely pathogenic for ABCC6-related disorders. Last evaluated: 2023-12-19. Review status: criteria provided, single submitter. Criteria: ACMG Guidelines, 2015. Collection method: clinical testing. Allele origin: germline. Affected: yes. Observed: 2 variant alleles.

Labcorp Genetics (formerly Invitae), Labcorp
Classification: Pathogenic. Last evaluated: 2023-07-07. Review status: criteria provided, single submitter. Criteria: Invitae Variant Classification Sherloc (09022015). Collection method: clinical testing. Allele origin: germline.
Comment: This sequence change creates a premature translational stop signal (p.Trp445*) in the ABCC6 gene. It is expected to result in an absent or disrupted protein product. Loss-of-function variants in ABCC6 are known to be pathogenic (PMID: 11536079, 17617515). The frequency data for this variant in the population databases is considered unreliable, as metrics indicate poor data quality at this position in the gnomAD database. This variant has not been reported in the literature in individuals affected with ABCC6-related conditions. For these reasons, this variant has been classified as Pathogenic.

Literature cited by the submitters: PubMed 11536079 (cited by Labcorp Genetics (formerly Invitae), Labcorp); PubMed 17617515 (cited by Labcorp Genetics (formerly Invitae), Labcorp).